The following is an entry in ClinVar:

ClinVar aggregate classification (germline): Uncertain significance. Review status: criteria provided, multiple submitters, no conflicts (2 of 4 stars). 2 submissions from 2 submitters: Uncertain significance (2). Last evaluated 2026-07-06.

Conditions:
RYR1-related disorder. Also called: RYR1-related condition; RYR1-related disorders. Identifiers: MedGen CN239331.
Inborn genetic diseases. Identifiers: MedGen C0950123, MeSH D030342.

Allele frequency attached by ClinVar (database versions not stated): ExAC 0.00002.
gnomAD v4.1: 22 of 1,613,892 alleles (0.0014%); highest among the groups gnomAD compares: Admixed American, 0.005%; no homozygotes.

Submissions (2):

Ambry Genetics
Classification: Uncertain significance for Inborn genetic diseases. Last evaluated: 2026-07-06. Review status: criteria provided, single submitter. Criteria: Ambry Variant Classification Scheme 2023. Collection method: clinical testing. Allele origin: germline.
Comment: The p.E669K variant (also known as c.2005G>A), located in coding exon 18 of the RYR1 gene, results from a G to A substitution at nucleotide position 2005. The glutamic acid at codon 669 is replaced by lysine, an amino acid with similar properties. This amino acid position is conserved. In addition, this alteration is predicted to be tolerated by in silico analysis. Based on the available evidence, the clinical significance of this variant remains unclear.

Labcorp Genetics (formerly Invitae), Labcorp
Classification: Uncertain significance for RYR1-related disorder. Last evaluated: 2022-03-01. Review status: criteria provided, single submitter. Criteria: Invitae Variant Classification Sherloc (09022015). Collection method: clinical testing. Allele origin: germline.
Comment: This sequence change replaces glutamic acid, which is acidic and polar, with lysine, which is basic and polar, at codon 669 of the RYR1 protein (p.Glu669Lys). This variant is present in population databases (rs768718943, gnomAD 0.006%). This variant has not been reported in the literature in individuals affected with RYR1-related conditions. Advanced modeling of protein sequence and biophysical properties (such as structural, functional, and spatial information, amino acid conservation, physicochemical variation, residue mobility, and thermodynamic stability) performed at Invitae indicates that this missense variant is not expected to disrupt RYR1 protein function. Algorithms developed to predict the effect of sequence changes on RNA splicing suggest that this variant may create or strengthen a splice site. In summary, the available evidence is currently insufficient to determine the role of this variant in disease. Therefore, it has been classified as a Variant of Uncertain Significance.

NM_000540.3(RYR1):c.2005G>A (p.Glu669Lys)

Gene: RYR1 (ryanodine receptor 1; plus strand). Cytogenetic location: 19q13.2.
Variant type: single nucleotide variant.
Coding change: c.2005G>A on transcript NM_000540.3 (MANE Select); coding-DNA position 2005, G replaced by A.
Protein change: p.Glu669Lys; replaces glutamic acid 669 with lysine.
Molecular consequence: missense variant.
Genome position (GRCh38, 1-based): chr19:38,458,130, G>A. VCF-style: chr19-38458130-G-A. GRCh37 (hg19) VCF-style: chr19-38948770-G-A.
Other names: c.2005G>A, p.Glu669Lys (NM_001042723.2); short protein forms E669K.
Identifiers: ClinVar variation 2414477 (VCV002414477.5), dbSNP rs768718943, ClinGen allele CA062742.
Genomic context (GRCh38, chr19:38,458,130, plus strand): 5'-GTGGGCCGAGCGGAAGGCACCACGCAGTACAGCAAATGGTACTTTGAGGTGATGGTGGAC[G>A]AGGTGACTCCATTTCTGACAGCTCAGGCCACCCACTTGCGGGTGGGCTGGGCCCTCACCG-3'
Protein context (NP_000531.2, residues 659-679): SKWYFEVMVD[Glu669Lys]VTPFLTAQAT